The following is an entry in ClinVar:

ClinVar aggregate classification (germline): Uncertain significance. Review status: criteria provided, multiple submitters, no conflicts (2 of 4 stars). 3 submissions from 3 submitters: Uncertain significance (2). 1 of the submissions does not count toward it. Last evaluated 2026-06-22.

Conditions:
Inborn genetic diseases. Identifiers: MedGen C0950123, MeSH D030342.
Usher syndrome type 1B (USH1B). Also called: Usher syndrome type IB. Identifiers: MedGen C1848638, MONDO:0700087.

Allele frequency attached by ClinVar (database versions not stated): gnomAD exomes below 0.00001.
gnomAD v4.1: 1 of 1,612,364 alleles (0.000062%); highest among the groups gnomAD compares: Non-Finnish European, 0.000085%; no homozygotes.

Submissions (3):

Ambry Genetics
Classification: Uncertain significance for Inborn genetic diseases. Last evaluated: 2026-06-22. Review status: criteria provided, single submitter. Criteria: Ambry Variant Classification Scheme 2023. Collection method: clinical testing. Allele origin: germline.

Laboratory for Molecular Medicine, Mass General Brigham Personalized Medicine
Classification: Uncertain significance. Last evaluated: 2013-11-03. Review status: criteria provided, single submitter. Criteria: LMM Criteria. Collection method: clinical testing. Allele origin: germline. Observed: 2 variant alleles.
Comment: The Leu1391Val in MYO7A has not been reported though frequency data from large p opulation studies is insufficient. Computational analyses (biochemical amino aci d properties, conservation, AlignGVGD, PolyPhen2, and SIFT) do not provide stron g support for or against an impact to the protein. Additional information is ne eded to fully assess the clinical significance of the Leu1391Val variant.

Natera, Inc.
Classification: Uncertain significance for Usher syndrome type 1B. Last evaluated: 2020-08-14. Review status: no assertion criteria provided. Collection method: clinical testing. Allele origin: germline. Not counted in ClinVar's aggregate classification.

NM_000260.4(MYO7A):c.4171C>G (p.Leu1391Val)

Gene: MYO7A (myosin VIIA; plus strand). Cytogenetic location: 11q13.5.
Variant type: single nucleotide variant.
Coding change: c.4171C>G on transcript NM_000260.4 (MANE Select); coding-DNA position 4171, C replaced by G.
Protein change: p.Leu1391Val; replaces leucine 1391 with valine.
Molecular consequence: missense variant.
Genome position (GRCh38, 1-based): chr11:77,194,372, C>G. VCF-style: chr11-77194372-C-G. GRCh37 (hg19) VCF-style: chr11-76905417-C-G.
Other names: c.4171C>G, p.Leu1391Val (NM_001127180.2); c.4138C>G, p.Leu1380Val (NM_001369365.1); short protein forms L1391V, L1380V.
Identifiers: ClinVar variation 178990 (VCV000178990.6), dbSNP rs727504594, ClinGen allele CA183446.